The following is an entry in ClinVar:

NM_001009944.3(PKD1):c.11747T>C (p.Val3916Ala)

Gene: PKD1 (polycystin 1, transient receptor potential channel interacting; minus strand). Cytogenetic location: 16p13.3.
Variant type: single nucleotide variant.
Coding change: c.11747T>C on transcript NM_001009944.3 (MANE Select); coding-DNA position 11747, T replaced by C.
Protein change: p.Val3916Ala; replaces valine 3916 with alanine.
Molecular consequence: missense variant.
Genome position (GRCh38, 1-based): chr16:2,091,140, A>G on the plus strand (T>C on the coding strand, the complement: PKD1 is on the minus strand). VCF-style: chr16-2091140-A-G. GRCh37 (hg19) VCF-style: chr16-2141141-A-G.
Other names: c.11744T>C, p.Val3915Ala (NM_000296.4); short protein forms V3915A, V3916A.
Identifiers: ClinVar variation 1700808 (VCV001700808.2), dbSNP rs925883193, ClinGen allele CA276765110.

ClinVar aggregate classification (germline): Uncertain significance (1 of 4 stars; one submission).

Allele frequency attached by ClinVar (database versions not stated): gnomAD 0.00004; TOPMed 0.00005.
gnomAD v4.1: 12 of 1,481,078 alleles (0.00081%); highest among the groups gnomAD compares: African/African-American, 0.018%; no homozygotes.

Submission:

GeneDx
Classification: Uncertain significance. Last evaluated: 2022-02-11. Review status: criteria provided, single submitter. Criteria: GeneDx Variant Classification Process June 2021. Collection method: clinical testing. Allele origin: germline. Affected: yes.
Comment: In silico analysis supports that this missense variant has a deleterious effect on protein structure/function; Has not been previously published as pathogenic or benign to our knowledge